The following is an entry in ClinVar:

NM_000051.4(ATM):c.7948G>A (p.Asp2650Asn)

Genes: ATM (ATM serine/threonine kinase; plus strand), C11orf65 (chromosome 11 open reading frame 65; minus strand). Cytogenetic location: 11q22.3.
Variant type: single nucleotide variant.
Coding change: c.7948G>A on transcript NM_000051.4 (MANE Select); coding-DNA position 7948, G replaced by A.
Protein change: p.Asp2650Asn; replaces aspartic acid 2650 with asparagine.
Molecular consequence: missense variant. On other transcripts: intron variant (2).
Genome position (GRCh38, 1-based): chr11:108,333,906, G>A. VCF-style: chr11-108333906-G-A. GRCh37 (hg19) VCF-style: chr11-108204633-G-A.
Other names: c.7948G>A, p.Asp2650Asn (NM_001351834.2); c.641-24835C>T (NM_001330368.2); c.*38+1314C>T (NM_001351110.2); short protein forms D2650N.
Identifiers: ClinVar variation 185495 (VCV000185495.12), dbSNP rs786202219, ClinGen allele CA192109.

ClinVar aggregate classification (germline): Conflicting classifications of pathogenicity. Review status: criteria provided, conflicting classifications (1 of 4 stars). 3 submissions from 3 submitters: Uncertain significance (2); Likely benign (1). Last evaluated 2025-03-12.

Conditions:
Hereditary cancer-predisposing syndrome. Also called: Hereditary Cancer Syndrome; Tumor predisposition; Neoplastic Syndromes, Hereditary; Hereditary neoplastic syndrome. Identifiers: Orphanet 140162, MedGen C0027672, MeSH D009386, MONDO:0015356.
Familial cancer of breast. Also called: hereditary breast carcinoma; BREAST CANCER, FAMILIAL; Hereditary breast cancer. Identifiers: Orphanet 227535, MedGen C0346153, MONDO:0016419, OMIM 114480. Disease mechanism: loss of function.
Ataxia-telangiectasia syndrome (AT). Also called: ATAXIA-TELANGIECTASIA, COMPLEMENTATION GROUP A; ATAXIA-TELANGIECTASIA, FRESNO VARIANT; Ataxia-telangiectasia; Ataxia-telangiectasia, complementation group E; Cerebello-oculocutaneous telangiectasia; Immunodeficiency with ataxia telangiectasia. Identifiers: Orphanet 100, MedGen C0004135, MONDO:0008840, OMIM 208900.

Allele frequency attached by ClinVar (database versions not stated): gnomAD exomes 0.00001.
gnomAD v4.1: 3 of 1,610,662 alleles (0.00019%); highest among the groups gnomAD compares: Non-Finnish European, 0.00025%; no homozygotes.

Submissions (3):

Labcorp Genetics (formerly Invitae), Labcorp
Classification: Uncertain significance for Ataxia-telangiectasia syndrome. Last evaluated: 2025-03-12. Review status: criteria provided, single submitter. Criteria: Invitae Variant Classification Sherloc (09022015). Collection method: clinical testing. Allele origin: germline.
Comment: This sequence change replaces aspartic acid, which is acidic and polar, with asparagine, which is neutral and polar, at codon 2650 of the ATM protein (p.Asp2650Asn). This variant is not present in population databases (gnomAD no frequency). This variant has not been reported in the literature in individuals affected with ATM-related conditions. ClinVar contains an entry for this variant (Variation ID: 185495). Invitae Evidence Modeling of protein sequence and biophysical properties (such as structural, functional, and spatial information, amino acid conservation, physicochemical variation, residue mobility, and thermodynamic stability) indicates that this missense variant is not expected to disrupt ATM protein function with a negative predictive value of 95%. In summary, the available evidence is currently insufficient to determine the role of this variant in disease. Therefore, it has been classified as a Variant of Uncertain Significance.

Ambry Genetics
Classification: Likely benign for Hereditary cancer-predisposing syndrome. Last evaluated: 2024-06-05. Review status: criteria provided, single submitter. Criteria: Ambry Variant Classification Scheme 2023. Collection method: clinical testing. Allele origin: germline.

Baylor Genetics
Classification: Uncertain significance for Familial cancer of breast. Last evaluated: 2023-07-14. Review status: criteria provided, single submitter. Criteria: ACMG Guidelines, 2015. Collection method: clinical testing. Allele origin: unknown.